The following is an entry in ClinVar:

NM_001127222.2(CACNA1A):c.6005G>A (p.Gly2002Asp)

Gene: CACNA1A (calcium voltage-gated channel subunit alpha1 A; minus strand). Cytogenetic location: 19p13.13.
Variant type: single nucleotide variant.
Coding change: c.6005G>A on transcript NM_001127222.2 (MANE Select); coding-DNA position 6005, G replaced by A.
Protein change: p.Gly2002Asp; replaces glycine 2002 with aspartic acid.
Molecular consequence: missense variant.
Genome position (GRCh38, 1-based): chr19:13,212,676, C>T on the plus strand (G>A on the coding strand, the complement: CACNA1A is on the minus strand). VCF-style: chr19-13212676-C-T. GRCh37 (hg19) VCF-style: chr19-13323490-C-T.
Other names: c.6023G>A, p.Gly2008Asp (NM_000068.4, NM_023035.3); c.6008G>A, p.Gly2003Asp (NM_001127221.2); c.6014G>A, p.Gly2005Asp (NM_001174080.2); short protein forms G2003D, G2002D, G2005D, G2008D.
Identifiers: ClinVar variation 571931 (VCV000571931.9), dbSNP rs1402384624, ClinGen allele CA404333481.
Genomic context (GRCh38, chr19:13,212,676, plus strand): 5'-AGGGGTGACACTCACAGGGCTCCTCCTGGGTCCAGCTGGGTGGAGGGGAGGGCGTTCTGG[C>T]CAGGTCCCCCTTCCTGCGTTGGGGACGGGGGCTCCATGCGCTGGAACATGAGGGGTGTCC-3'
Protein context (NP_001120694.1, residues 1992-2012): PPSPTQEGGP[Gly2002Asp]QNALPSTQLD

ClinVar aggregate classification (germline): Uncertain significance (1 of 4 stars; one submission).

Conditions:
Episodic ataxia type 2 (EA2). Also called: ACETAZOLAMIDE-RESPONSIVE HEREDITARY PAROXYSMAL CEREBELLAR ATAXIA; CEREBELLAR ATAXIA, PAROXYSMAL, ACETAZOLAMIDE-RESPONSIVE; CEREBELLOPATHY, HEREDITARY PAROXYSMAL; EPISODIC ATAXIA, NYSTAGMUS-ASSOCIATED; ATAXIA, EPISODIC, WITH NYSTAGMUS; ATAXIA, FAMILIAL PAROXYSMAL. Identifiers: Orphanet 97, MedGen C1720416, MONDO:0007163, OMIM 108500.
Developmental and epileptic encephalopathy, 42 (DEE42A). Also called: DEVELOPMENTAL AND EPILEPTIC ENCEPHALOPATHY 42A; EPILEPTIC ENCEPHALOPATHY, EARLY INFANTILE, 42A; Epileptic encephalopathy, early infantile, 42. Identifiers: MedGen C4310716, MONDO:0014917, OMIM 617106.

Allele frequency attached by ClinVar (database versions not stated): TOPMed below 0.00001; gnomAD 0.00001.

Submission:

Labcorp Genetics (formerly Invitae), Labcorp
Classification: Uncertain significance for Developmental and epileptic encephalopathy, 42; Episodic ataxia type 2. Last evaluated: 2018-04-18. Review status: criteria provided, single submitter. Criteria: Invitae Variant Classification Sherloc (09022015). Collection method: clinical testing. Allele origin: germline.
Comment: This sequence change replaces glycine with aspartic acid at codon 2003 of the CACNA1A protein (p.Gly2003Asp). The glycine residue is moderately conserved and there is a moderate physicochemical difference between glycine and aspartic acid. This variant is not present in population databases (ExAC no frequency). This variant has not been reported in the literature in individuals with CACNA1A-related disease. Algorithms developed to predict the effect of missense changes on protein structure and function do not agree on the potential impact of this missense change (SIFT: "Tolerated"; PolyPhen-2: "Possibly Damaging"; Align-GVGD: "Class C0"). In summary, the available evidence is currently insufficient to determine the role of this variant in disease. Therefore, it has been classified as a Variant of Uncertain Significance.